The following is an entry in ClinVar:

NM_025103.4(IFT74):c.754G>T (p.Asp252Tyr)

Gene: IFT74 (intraflagellar transport 74; plus strand). Cytogenetic location: 9p21.2.
Variant type: single nucleotide variant.
Coding change: c.754G>T on transcript NM_025103.4 (MANE Select); coding-DNA position 754, G replaced by T.
Protein change: p.Asp252Tyr; replaces aspartic acid 252 with tyrosine.
Molecular consequence: missense variant.
Genome position (GRCh38, 1-based): chr9:27,011,933, G>T. VCF-style: chr9-27011933-G-T. GRCh37 (hg19) VCF-style: chr9-27011931-G-T.
Other names: c.754G>T, p.Asp252Tyr (NM_001099222.3, NM_001099223.3, NM_001099224.3 and 1 more transcripts); short protein forms D252Y.
Identifiers: ClinVar variation 2090154 (VCV002090154.3), dbSNP rs1416925065, ClinGen allele CA373117747.

ClinVar aggregate classification (germline): Uncertain significance (1 of 4 stars; one submission).

Submission:

Labcorp Genetics (formerly Invitae), Labcorp
Classification: Uncertain significance. Last evaluated: 2022-03-15. Review status: criteria provided, single submitter. Criteria: Invitae Variant Classification Sherloc (09022015). Collection method: clinical testing. Allele origin: germline.
Comment: In summary, the available evidence is currently insufficient to determine the role of this variant in disease. Therefore, it has been classified as a Variant of Uncertain Significance. Algorithms developed to predict the effect of missense changes on protein structure and function are either unavailable or do not agree on the potential impact of this missense change (SIFT: "Deleterious"; PolyPhen-2: "Probably Damaging"; Align-GVGD: "Class C15"). This variant has not been reported in the literature in individuals affected with IFT74-related conditions. This variant is not present in population databases (gnomAD no frequency). This sequence change replaces aspartic acid, which is acidic and polar, with tyrosine, which is neutral and polar, at codon 252 of the IFT74 protein (p.Asp252Tyr).